The following is an entry in ClinVar:

ClinVar aggregate classification (germline): Uncertain significance (1 of 4 stars; one submission).

Conditions:
Inborn genetic diseases. Identifiers: MedGen C0950123, MeSH D030342.

gnomAD v4.1: 6 of 1,614,138 alleles (0.00037%); highest among the groups gnomAD compares: Non-Finnish European, 0.00042%; no homozygotes.

Submission:

Ambry Genetics
Classification: Uncertain significance for Inborn genetic diseases. Last evaluated: 2025-12-01. Review status: criteria provided, single submitter. Criteria: Ambry Variant Classification Scheme 2023. Collection method: clinical testing. Allele origin: germline.
Comment: The p.P126L variant (also known as c.377C>T), located in coding exon 4 of the ETV6 gene, results from a C to T substitution at nucleotide position 377. The proline at codon 126 is replaced by leucine, an amino acid with similar properties. This amino acid position is conserved. In addition, this alteration is predicted to be tolerated by in silico analysis. Based on the available evidence, the clinical significance of this variant remains unclear.

NM_001987.5(ETV6):c.377C>T (p.Pro126Leu)

Gene: ETV6 (ETS variant transcription factor 6; plus strand). Cytogenetic location: 12p13.2.
Variant type: single nucleotide variant.
Coding change: c.377C>T on transcript NM_001987.5 (MANE Select); coding-DNA position 377, C replaced by T.
Protein change: p.Pro126Leu; replaces proline 126 with leucine.
Molecular consequence: missense variant.
Genome position (GRCh38, 1-based): chr12:11,853,475, C>T. VCF-style: chr12-11853475-C-T. GRCh37 (hg19) VCF-style: chr12-12006409-C-T.
Other names: c.374C>T, p.Pro125Leu (NM_001413913.1); c.350C>T, p.Pro117Leu (NM_001413914.1); c.113C>T, p.Pro38Leu (NM_001413915.1); c.377C>T, p.Pro126Leu (NM_001413916.1, NM_001413917.1); short protein forms P117L, P38L, P125L, P126L.
Identifiers: ClinVar variation 4618881 (VCV004618881.1).